The following is an entry in ClinVar:

ClinVar aggregate classification (germline): Uncertain significance. Review status: criteria provided, multiple submitters, no conflicts (2 of 4 stars). 2 submissions from 2 submitters: Uncertain significance (2). Last evaluated 2024-03-13.

Conditions:
Gorlin syndrome. Also called: Nevoid Basal Cell Carcinoma Syndrome; Basal cell nevus syndrome. Identifiers: Orphanet 377, MedGen C0004779, MONDO:0007187.
Medulloblastoma (MDB). Also called: MEDULLOBLASTOMA PREDISPOSITION SYNDROME; Medulloblastoma, somatic. Identifiers: Orphanet 616, MedGen C0025149, MeSH D008527, MONDO:0007959, OMIM 155255, HP:0002885.
Hereditary cancer-predisposing syndrome. Also called: Neoplastic Syndromes, Hereditary; Hereditary neoplastic syndrome; Hereditary Cancer Syndrome; Tumor predisposition. Identifiers: Orphanet 140162, MedGen C0027672, MeSH D009386, MONDO:0015356.

Allele frequency attached by ClinVar (database versions not stated): gnomAD 0.00001; TOPMed 0.00001.
gnomAD v4.1: 2 of 1,614,004 alleles (0.00012%); highest among the groups gnomAD compares: African/African-American, 0.0027%; no homozygotes.

Submissions (2):

Ambry Genetics
Classification: Uncertain significance for Hereditary cancer-predisposing syndrome. Last evaluated: 2024-03-13. Review status: criteria provided, single submitter. Criteria: Ambry Variant Classification Scheme 2023. Collection method: clinical testing. Allele origin: germline.
Comment: The p.H358R variant (also known as c.1073A>G), located in coding exon 9 of the SUFU gene, results from an A to G substitution at nucleotide position 1073. The histidine at codon 358 is replaced by arginine, an amino acid with highly similar properties. This amino acid position is conserved. In addition, this alteration is predicted to be tolerated by in silico analysis. Since supporting evidence is limited at this time, the clinical significance of this alteration remains unclear.

Labcorp Genetics (formerly Invitae), Labcorp
Classification: Uncertain significance for Gorlin syndrome; Medulloblastoma. Last evaluated: 2023-12-19. Review status: criteria provided, single submitter. Criteria: Invitae Variant Classification Sherloc (09022015). Collection method: clinical testing. Allele origin: germline.
Comment: This sequence change replaces histidine, which is basic and polar, with arginine, which is basic and polar, at codon 358 of the SUFU protein (p.His358Arg). This variant is not present in population databases (gnomAD no frequency). This variant has not been reported in the literature in individuals affected with SUFU-related conditions. ClinVar contains an entry for this variant (Variation ID: 655962). Advanced modeling of protein sequence and biophysical properties (such as structural, functional, and spatial information, amino acid conservation, physicochemical variation, residue mobility, and thermodynamic stability) performed at Invitae indicates that this missense variant is not expected to disrupt SUFU protein function with a negative predictive value of 80%. In summary, the available evidence is currently insufficient to determine the role of this variant in disease. Therefore, it has been classified as a Variant of Uncertain Significance.

NM_016169.4(SUFU):c.1073A>G (p.His358Arg)

Gene: SUFU (SUFU negative regulator of hedgehog signaling; plus strand). Cytogenetic location: 10q24.32.
Variant type: single nucleotide variant.
Coding change: c.1073A>G on transcript NM_016169.4 (MANE Select); coding-DNA position 1073, A replaced by G.
Protein change: p.His358Arg; replaces histidine 358 with arginine.
Molecular consequence: missense variant.
Genome position (GRCh38, 1-based): chr10:102,615,318, A>G. VCF-style: chr10-102615318-A-G. GRCh37 (hg19) VCF-style: chr10-104375075-A-G.
Other names: c.1073A>G, p.His358Arg (NM_001178133.2); short protein forms H358R.
Identifiers: ClinVar variation 655962 (VCV000655962.11), dbSNP rs1432365875, ClinGen allele CA377913972.